The following is an entry in ClinVar:

NM_152309.3(PIK3AP1):c.383A>G (p.Asp128Gly)

Gene: PIK3AP1 (phosphoinositide-3-kinase adaptor protein 1; minus strand). Cytogenetic location: 10q24.1.
Variant type: single nucleotide variant.
Coding change: c.383A>G on transcript NM_152309.3 (MANE Select); coding-DNA position 383, A replaced by G.
Protein change: p.Asp128Gly; replaces aspartic acid 128 with glycine.
Molecular consequence: missense variant.
Genome position (GRCh38, 1-based): chr10:96,709,614, T>C on the plus strand (A>G on the coding strand, the complement: PIK3AP1 is on the minus strand). VCF-style: chr10-96709614-T-C. GRCh37 (hg19) VCF-style: chr10-98469371-T-C.
Other names: short protein forms D128G.
Identifiers: ClinVar variation 3623648 (VCV003623648.2).

ClinVar aggregate classification (germline): Uncertain significance (1 of 4 stars; one submission).

Conditions:
Infantile spasms. Also called: Infantile spasm. Identifiers: MedGen C3887898, HP:0012469.

gnomAD v4.1: 6 of 1,614,034 alleles (0.00037%); highest among the groups gnomAD compares: South Asian, 0.0011%; no homozygotes.

Submission:

Labcorp Genetics (formerly Invitae), Labcorp
Classification: Uncertain significance for Infantile spasms. Last evaluated: 2024-10-24. Review status: criteria provided, single submitter. Criteria: Invitae Variant Classification Sherloc (09022015). Collection method: clinical testing. Allele origin: germline.
Comment: This sequence change replaces aspartic acid, which is acidic and polar, with glycine, which is neutral and non-polar, at codon 128 of the PIK3AP1 protein (p.Asp128Gly). This variant is not present in population databases (gnomAD no frequency). This variant has not been reported in the literature in individuals affected with PIK3AP1-related conditions. An algorithm developed to predict the effect of missense changes on protein structure and function (PolyPhen-2) suggests that this variant is likely to be disruptive. In summary, the available evidence is currently insufficient to determine the role of this variant in disease. Therefore, it has been classified as a Variant of Uncertain Significance.